The following is an entry in ClinVar:

NM_000057.4(BLM):c.2516A>C (p.Lys839Thr)

Gene: BLM (BLM RecQ like helicase; plus strand). Cytogenetic location: 15q26.1.
Variant type: single nucleotide variant.
Coding change: c.2516A>C on transcript NM_000057.4 (MANE Select); coding-DNA position 2516, A replaced by C.
Protein change: p.Lys839Thr; replaces lysine 839 with threonine.
Molecular consequence: missense variant.
Genome position (GRCh38, 1-based): chr15:90,769,547, A>C. VCF-style: chr15-90769547-A-C. GRCh37 (hg19) VCF-style: chr15-91312777-A-C.
Other names: c.2516A>C, p.Lys839Thr (NM_001287246.2, NM_001287247.2); c.1391A>C, p.Lys464Thr (NM_001287248.2); short protein forms K464T, K839T.
Identifiers: ClinVar variation 2586865 (VCV002586865.5), dbSNP rs756815062, ClinGen allele CA393845485.
Genomic context (GRCh38, chr15:90,769,547, plus strand): 5'-AGAAGTTTCCTTCTGTTCCGGTGATGGCTCTTACGGCCACAGCTAATCCCAGGGTACAGA[A>C]GGACATCCTGACTCAGCTGAAGATTCTCAGACCTCAGGTGTAAGTTGTTGCACGTCACGT-3'
Protein context (NP_000048.1, residues 829-849): LTATANPRVQ[Lys839Thr]DILTQLKILR

ClinVar aggregate classification (germline): Uncertain significance. Review status: criteria provided, multiple submitters, no conflicts (2 of 4 stars). 2 submissions from 2 submitters: Uncertain significance (2). Last evaluated 2023-12-14.

Conditions:
Hereditary cancer-predisposing syndrome. Also called: Hereditary neoplastic syndrome; Tumor predisposition; Hereditary Cancer Syndrome; Neoplastic Syndromes, Hereditary. Identifiers: Orphanet 140162, MedGen C0027672, MeSH D009386, MONDO:0015356.
Bloom syndrome (BLM). Also called: Bloom-Torre-Machacek syndrome. Identifiers: Orphanet 125, MedGen C0005859, MONDO:0008876, OMIM 210900.

gnomAD v4.1: 1 of 1,613,992 alleles (0.000062%); highest among the groups gnomAD compares: South Asian, 0.0011%; no homozygotes.

Submissions (2):

Labcorp Genetics (formerly Invitae), Labcorp
Classification: Uncertain significance for Bloom syndrome. Last evaluated: 2023-12-14. Review status: criteria provided, single submitter. Criteria: Invitae Variant Classification Sherloc (09022015). Collection method: clinical testing. Allele origin: germline.
Comment: This sequence change replaces lysine, which is basic and polar, with threonine, which is neutral and polar, at codon 839 of the BLM protein (p.Lys839Thr). This variant is not present in population databases (gnomAD no frequency). This variant has not been reported in the literature in individuals affected with BLM-related conditions. Advanced modeling of protein sequence and biophysical properties (such as structural, functional, and spatial information, amino acid conservation, physicochemical variation, residue mobility, and thermodynamic stability) performed at Invitae indicates that this missense variant is not expected to disrupt BLM protein function with a negative predictive value of 80%. In summary, the available evidence is currently insufficient to determine the role of this variant in disease. Therefore, it has been classified as a Variant of Uncertain Significance.

Ambry Genetics
Classification: Uncertain significance for Hereditary cancer-predisposing syndrome. Last evaluated: 2023-06-21. Review status: criteria provided, single submitter. Criteria: Ambry Variant Classification Scheme 2023. Collection method: clinical testing. Allele origin: germline.
Comment: The p.K839T variant (also known as c.2516A>C), located in coding exon 11 of the BLM gene, results from an A to C substitution at nucleotide position 2516. The lysine at codon 839 is replaced by threonine, an amino acid with similar properties. This amino acid position is conserved. In addition, this alteration is predicted to be tolerated by in silico analysis. Since supporting evidence is limited at this time, the clinical significance of this alteration remains unclear.